The following is an entry in ClinVar:

ClinVar aggregate classification (germline): Likely benign (0 of 4 stars; one submission).

Conditions:
ADCY6-related disorder. Also called: ADCY6-related condition.

Allele frequency attached by ClinVar (database versions not stated): gnomAD 0.00002; TOPMed 0.00005.
gnomAD v4.1: 16 of 1,614,116 alleles (0.00099%); highest among the groups gnomAD compares: Non-Finnish European, 0.0012%; no homozygotes.

Submission:

PreventionGenetics, part of Exact Sciences
Classification: Likely benign for ADCY6-related condition. Last evaluated: 2023-03-10. Review status: no assertion criteria provided. Collection method: clinical testing. Allele origin: germline.
Comment: This variant is classified as likely benign based on ACMG/AMP sequence variant interpretation guidelines (Richards et al. 2015 PMID: 25741868, with internal and published modifications).

NM_015270.5(ADCY6):c.3153G>A (p.Val1051=)

Genes: ADCY6 (adenylate cyclase 6; minus strand), SPMIP11 (sperm microtubule inner protein 11; plus strand). Cytogenetic location: 12q13.12.
Variant type: single nucleotide variant.
Coding change: c.3153G>A on transcript NM_015270.5 (MANE Select); coding-DNA position 3153, G replaced by A.
Protein change: p.Val1051=; no amino-acid change (valine 1051 retained).
Molecular consequence: synonymous variant. On other transcripts: non-coding transcript variant (1).
Genome position (GRCh38, 1-based): chr12:48,770,869, C>T on the plus strand (G>A on the coding strand, the complement: ADCY6 is on the minus strand). VCF-style: chr12-48770869-C-T. GRCh37 (hg19) VCF-style: chr12-49164652-C-T.
Other names: c.2994G>A, p.Val998= (NM_001390830.1); c.3153G>A, p.Val1051= (NM_001390831.2, NM_001412819.1, NM_001412820.1 and 2 more transcripts).
Identifiers: ClinVar variation 3028990 (VCV003028990.2), dbSNP rs1015828855, ClinGen allele CA236595178.